The following is an entry in ClinVar:

NM_006514.4(SCN10A):c.935A>G (p.Asn312Ser)

Gene: SCN10A (sodium voltage-gated channel alpha subunit 10; minus strand). Cytogenetic location: 3p22.2.
Variant type: single nucleotide variant.
Coding change: c.935A>G on transcript NM_006514.4 (MANE Select); coding-DNA position 935, A replaced by G.
Protein change: p.Asn312Ser; replaces asparagine 312 with serine.
Molecular consequence: missense variant.
Genome position (GRCh38, 1-based): chr3:38,760,696, T>C on the plus strand (A>G on the coding strand, the complement: SCN10A is on the minus strand). VCF-style: chr3-38760696-T-C. GRCh37 (hg19) VCF-style: chr3-38802187-T-C.
Other names: c.935A>G, p.Asn312Ser (NM_001293306.2, NM_001293307.2); short protein forms N312S.
Identifiers: ClinVar variation 1766669 (VCV001766669.2), dbSNP rs1438943055, ClinGen allele CA352170773.

ClinVar aggregate classification (germline): Uncertain significance (1 of 4 stars; one submission).

Conditions:
Cardiovascular phenotype. Identifiers: MedGen CN230736.

Allele frequency attached by ClinVar (database versions not stated): gnomAD 0.00001; gnomAD exomes 0.00001; TOPMed 0.00001.
gnomAD v4.1: 6 of 1,613,906 alleles (0.00037%); highest among the groups gnomAD compares: East Asian, 0.013%; no homozygotes.

Submission:

Ambry Genetics
Classification: Uncertain significance for Cardiovascular phenotype. Last evaluated: 2020-09-02. Review status: criteria provided, single submitter. Criteria: Ambry Variant Classification Scheme 2023. Collection method: clinical testing. Allele origin: germline.
Comment: The p.N312S variant (also known as c.935A>G), located in coding exon 7 of the SCN10A gene, results from an A to G substitution at nucleotide position 935. The asparagine at codon 312 is replaced by serine, an amino acid with highly similar properties. This amino acid position is well conserved in available vertebrate species. In addition, the in silico prediction for this alteration is inconclusive. Since supporting evidence is limited at this time, the clinical significance of this alteration remains unclear.